The following is an entry in ClinVar:

ClinVar aggregate classification (germline): Benign/Likely benign. Review status: criteria provided, multiple submitters, no conflicts (2 of 4 stars). 7 submissions from 7 submitters: Benign (1); Likely benign (4). 2 of the submissions do not count toward it. Last evaluated 2026-02-03.

Conditions:
CNGA3-related disorder. Also called: CNGA3-related condition.
Achromatopsia 2 (ACHM2). Also called: COLORBLINDNESS, TOTAL; ROD MONOCHROMACY 2; ROD MONOCHROMATISM 2. Identifiers: Orphanet 49382, MedGen C1857618, MONDO:0009003, OMIM 216900.

Allele frequency attached by ClinVar (database versions not stated): 1000 Genomes Project 0.00120; 1000 Genomes Project 30x 0.00141; TOPMed 0.00407; gnomAD 0.00427 and 0.00451; gnomAD exomes 0.00431 and 0.00584; ESP Exome Variant Server 0.00484; ExAC 0.00508.
gnomAD v4.1: 9,072 of 1,613,398 alleles (0.56%); highest among the groups gnomAD compares: Non-Finnish European, 0.69%; 32 homozygotes.

Submissions (7):

Labcorp Genetics (formerly Invitae), Labcorp
Classification: Benign. Last evaluated: 2026-02-03. Review status: criteria provided, single submitter. Criteria: Invitae Variant Classification Sherloc (09022015). Collection method: clinical testing. Allele origin: germline.

Blueprint Genetics
Classification: Likely benign. Last evaluated: 2024-11-26. Review status: criteria provided, single submitter. Criteria: ACMG Guidelines, 2015. Collection method: clinical testing. Allele origin: germline.

CeGaT Center for Human Genetics Tuebingen
Classification: Likely benign. Last evaluated: 2024-07-01. Review status: criteria provided, single submitter. Criteria: CeGaT Center For Human Genetics Tuebingen Variant Classification Criteria Version 2. Collection method: clinical testing. Allele origin: germline. Affected: yes. Observed: 3 variant alleles.
Comment: CNGA3: BP4, BS2

Illumina Laboratory Services, Illumina
Classification: Likely benign for Achromatopsia 2. Last evaluated: 2017-04-27. Review status: criteria provided, single submitter. Criteria: ICSL Variant Classification Criteria 13 December 2019. Collection method: clinical testing. Allele origin: germline.
Comment: This variant was observed as part of a predisposition screen in an ostensibly healthy population. A literature search was performed for the gene, cDNA change, and amino acid change (where applicable). Publications were found based on this search. The evidence from the literature, in combination with allele frequency data from public databases where available, was sufficient to determine this variant is unlikely to cause disease. Therefore, this variant is classified as likely benign.

Eurofins Ntd Llc (ga)
Classification: Likely benign. Last evaluated: 2016-07-05. Review status: criteria provided, single submitter. Criteria: EGL Classification Definitions 2015. Collection method: clinical testing. Allele origin: germline. Observed: 1 variant allele, 1 heterozygote.

PreventionGenetics, part of Exact Sciences
Classification: Benign for CNGA3-related condition. Last evaluated: 2019-05-29. Review status: no assertion criteria provided. Collection method: clinical testing. Allele origin: germline. Not counted in ClinVar's aggregate classification.
Comment: This variant is classified as benign based on ACMG/AMP sequence variant interpretation guidelines (Richards et al. 2015 PMID: 25741868, with internal and published modifications).

Department of Pathology and Laboratory Medicine, Sinai Health System
Classification: Likely benign. Review status: no assertion criteria provided. Collection method: clinical testing. Allele origin: unknown. Affected: yes. Study: The Canadian Open Genetics Repository (COGR). Not counted in ClinVar's aggregate classification.
Comment: The CNGA3 p.Pro48Leu variant was identified in the literature in 3 individuals from a cohort of 137 patients with achromatopsia, macular degeneration, and other hereditary cone diseases; one of these patients also had a homozygous frameshift variant in the CNGB3 gene determined to be causative (Nishiguchi_2005_PMID:15712225). The variant was identified in dbSNP (ID: rs62156348) and ClinVar (classified as benign by Invitae, as likely benign by EGL Genetic Diagnostics, and as uncertain significance by CeGaT Praxis). The variant was identified in control databases in 1233 of 281708 chromosomes (5 homozygous) at a frequency of 0.004377 increasing the likelihood this could be a low frequency benign variant (Genome Aggregation Database March 6, 2019, v2.1.1). The variant was observed in the following populations: European (non-Finnish) in 926 of 128552 chromosomes (freq: 0.007203), European (Finnish) in 149 of 24938 chromosomes (freq: 0.005975), Other in 36 of 7202 chromosomes (freq: 0.004999), Latino in 75 of 35370 chromosomes (freq: 0.00212), Ashkenazi Jewish in 16 of 10330 chromosomes (freq: 0.001549), African in 22 of 24866 chromosomes (freq: 0.000885), South Asian in 8 of 30510 chromosomes (freq: 0.000262), and East Asian in 1 of 19940 chromosomes (freq: 0.00005). The p.Pro48 residue is not conserved in mammals and four out of five computational analyses (PolyPhen-2, SIFT, AlignGVGD, BLOSUM, MutationTaster) do not suggest a high likelihood of impact to the protein; however, this information is not predictive enough to rule out pathogenicity. The variant occurs outside of the splicing consensus sequence and in silico or computational prediction software programs (SpliceSiteFinder, MaxEntScan, NNSPLICE, GeneSplicer) do not predict a difference in splicing. In summary, based on the above information the clinical significance of this variant cannot be determined with certainty at this time although we would lean towards a more benign role for this variant. This variant is classified as likely benign.

Literature cited by the submitters: PubMed 15712225 (cited by Illumina Laboratory Services, Illumina).

NM_001298.3(CNGA3):c.143C>T (p.Pro48Leu)

Gene: CNGA3 (cyclic nucleotide gated channel subunit alpha 3; plus strand). Cytogenetic location: 2q11.2.
Variant type: single nucleotide variant.
Coding change: c.143C>T on transcript NM_001298.3 (MANE Select); coding-DNA position 143, C replaced by T.
Protein change: p.Pro48Leu; replaces proline 48 with leucine.
Molecular consequence: missense variant.
Genome position (GRCh38, 1-based): chr2:98,377,728, C>T. VCF-style: chr2-98377728-C-T. GRCh37 (hg19) VCF-style: chr2-98994191-C-T.
Other names: c.143C>T, p.Pro48Leu (NM_001079878.2); short protein forms P48L.
Identifiers: ClinVar variation 288895 (VCV000288895.64), dbSNP rs62156348, ClinGen allele CA1793589.